The following is an entry in ClinVar:

ClinVar aggregate classification (germline): Uncertain significance (1 of 4 stars; one submission).

gnomAD v4.1: 1 of 1,613,704 alleles (0.000062%); highest among the groups gnomAD compares: Non-Finnish European, 0.000085%; no homozygotes.

Submission:

Labcorp Genetics (formerly Invitae), Labcorp
Classification: Uncertain significance. Last evaluated: 2025-09-03. Review status: criteria provided, single submitter. Criteria: Invitae Variant Classification Sherloc (09022015). Collection method: clinical testing. Allele origin: germline.
Comment: This sequence change replaces cysteine, which is neutral and slightly polar, with phenylalanine, which is neutral and non-polar, at codon 532 of the MYLK3 protein (p.Cys532Phe). This variant is not present in population databases (gnomAD no frequency). This variant has not been reported in the literature in individuals affected with MYLK3-related conditions. An algorithm developed to predict the effect of missense changes on protein structure and function (PolyPhen-2) suggests that this variant is likely to be disruptive. In summary, the available evidence is currently insufficient to determine the role of this variant in disease. Therefore, it has been classified as a Variant of Uncertain Significance.

NM_182493.3(MYLK3):c.1595G>T (p.Cys532Phe)

Gene: MYLK3 (myosin light chain kinase 3; minus strand). Cytogenetic location: 16q11.2.
Variant type: single nucleotide variant.
Coding change: c.1595G>T on transcript NM_182493.3 (MANE Select); coding-DNA position 1595, G replaced by T.
Protein change: p.Cys532Phe; replaces cysteine 532 with phenylalanine.
Molecular consequence: missense variant.
Genome position (GRCh38, 1-based): chr16:46,729,661, C>A on the plus strand (G>T on the coding strand, the complement: MYLK3 is on the minus strand). VCF-style: chr16-46729661-C-A. GRCh37 (hg19) VCF-style: chr16-46763573-C-A.
Other names: c.572G>T, p.Cys191Phe (NM_001308301.1); short protein forms C191F, C532F.
Identifiers: ClinVar variation 4702845 (VCV004702845.1).